The following is an entry in ClinVar:

ClinVar aggregate classification (germline): Uncertain significance (1 of 4 stars; one submission).

Submission:

GeneDx
Classification: Uncertain significance. Last evaluated: 2021-04-23. Review status: criteria provided, single submitter. Criteria: GeneDx Variant Classification Process June 2021. Collection method: clinical testing. Allele origin: germline. Affected: yes.
Comment: Not observed in large population cohorts (Lek et al., 2016); In silico analysis supports that this missense variant has a deleterious effect on protein structure/function; Has not been previously published as pathogenic or benign to our knowledge

NM_138615.3(DHX30):c.3052G>A (p.Val1018Met)

Gene: DHX30 (DExH-box helicase 30; plus strand). Cytogenetic location: 3p21.31.
Variant type: single nucleotide variant.
Coding change: c.3052G>A on transcript NM_138615.3 (MANE Select); coding-DNA position 3052, G replaced by A.
Protein change: p.Val1018Met; replaces valine 1018 with methionine.
Molecular consequence: missense variant.
Genome position (GRCh38, 1-based): chr3:47,849,314, G>A. VCF-style: chr3-47849314-G-A. GRCh37 (hg19) VCF-style: chr3-47890804-G-A.
Other names: c.2968G>A, p.Val990Met (NM_001330990.2); c.2935G>A, p.Val979Met (NM_014966.4); short protein forms V1018M, V979M, V990M.
Identifiers: ClinVar variation 1314734 (VCV001314734.2), dbSNP rs2107166633, ClinGen allele CA352593608.